The following is an entry in ClinVar:

ClinVar aggregate classification (germline): Uncertain significance. Review status: criteria provided, multiple submitters, no conflicts (2 of 4 stars). 2 submissions from 2 submitters: Uncertain significance (2). Last evaluated 2025-07-14.

Conditions:
Dyskeratosis congenita. Identifiers: Orphanet 1775, MedGen C0265965, MONDO:0015780.
Idiopathic Pulmonary Fibrosis. Also called: Idiopathic fibrosing alveolitis, chronic form; idiopathic fibrosing alveolitis. Identifiers: Orphanet 2032, MedGen C1800706, MeSH D054990, MONDO:0800504.
Dyskeratosis congenita, autosomal dominant 2. Identifiers: MedGen C3151443, MONDO:0013521, OMIM 613989.

Submissions (2):

Labcorp Genetics (formerly Invitae), Labcorp
Classification: Uncertain significance for Dyskeratosis congenita, autosomal dominant 2; Idiopathic Pulmonary Fibrosis. Last evaluated: 2025-07-14. Review status: criteria provided, single submitter. Criteria: Invitae Variant Classification Sherloc (09022015). Collection method: clinical testing. Allele origin: germline.
Comment: This sequence change replaces arginine, which is basic and polar, with cysteine, which is neutral and slightly polar, at codon 263 of the TERT protein (p.Arg263Cys). This variant is not present in population databases (gnomAD no frequency). This variant has not been reported in the literature in individuals affected with TERT-related conditions. ClinVar contains an entry for this variant (Variation ID: 2942319). Invitae Evidence Modeling of protein sequence and biophysical properties (such as structural, functional, and spatial information, amino acid conservation, physicochemical variation, residue mobility, and thermodynamic stability) indicates that this missense variant is not expected to disrupt TERT protein function with a negative predictive value of 95%. In summary, the available evidence is currently insufficient to determine the role of this variant in disease. Therefore, it has been classified as a Variant of Uncertain Significance.

Ambry Genetics
Classification: Uncertain significance for Dyskeratosis congenita. Last evaluated: 2025-06-29. Review status: criteria provided, single submitter. Criteria: Ambry Variant Classification Scheme 2023. Collection method: clinical testing. Allele origin: germline.
Comment: The p.R263C variant (also known as c.787C>T), located in coding exon 2 of the TERT gene, results from a C to T substitution at nucleotide position 787. The arginine at codon 263 is replaced by cysteine, an amino acid with highly dissimilar properties. This amino acid position is conserved. In addition, this alteration is predicted to be tolerated by in silico analysis. Based on the available evidence, the clinical significance of this variant remains unclear.

NM_198253.3(TERT):c.787C>T (p.Arg263Cys)

Gene: TERT (telomerase reverse transcriptase; minus strand). Cytogenetic location: 5p15.33.
Variant type: single nucleotide variant.
Coding change: c.787C>T on transcript NM_198253.3 (MANE Select); coding-DNA position 787, C replaced by T.
Protein change: p.Arg263Cys; replaces arginine 263 with cysteine.
Molecular consequence: missense variant. On other transcripts: non-coding transcript variant (2).
Genome position (GRCh38, 1-based): chr5:1,294,099, G>A on the plus strand (C>T on the coding strand, the complement: TERT is on the minus strand). VCF-style: chr5-1294099-G-A. GRCh37 (hg19) VCF-style: chr5-1294214-G-A.
Other names: c.787C>T, p.Arg263Cys (NM_001193376.3, NM_003219.1); short protein forms R263C.
Identifiers: ClinVar variation 2942319 (VCV002942319.3), dbSNP rs757340699, ClinGen allele CA3184913.